The following is an entry in ClinVar:

NM_001379500.1(COL18A1):c.3017T>A (p.Ile1006Asn)

Genes: COL18A1 (collagen type XVIII alpha 1 chain; plus strand), SLC19A1 (solute carrier family 19 member 1; minus strand). Cytogenetic location: 21q22.3.
Variant type: single nucleotide variant.
Coding change: c.3017T>A on transcript NM_001379500.1 (MANE Select); coding-DNA position 3017, T replaced by A.
Protein change: p.Ile1006Asn; replaces isoleucine 1006 with asparagine.
Molecular consequence: missense variant.
Genome position (GRCh38, 1-based): chr21:45,505,361, T>A. VCF-style: chr21-45505361-T-A. GRCh37 (hg19) VCF-style: chr21-46925275-T-A.
Other names: c.3548T>A, p.Ile1183Asn (NM_030582.4); c.4253T>A, p.Ile1418Asn (NM_130444.3); short protein forms I1006N, I1183N, I1418N.
Identifiers: ClinVar variation 1467431 (VCV001467431.4), dbSNP rs747011332, ClinGen allele CA10067639.
Genomic context (GRCh38, chr21:45,505,361, plus strand): 5'-CCGGGCAGAGGCCGCCTCGTGTGGCTTCGTGTTCCCACCTTGGTTTCTCTCCTGCAGCTA[T>A]CAGCGTTCCCGGCCCTCCGGGCCCCCCTGGGCCCCCTGGGCCCCCTGGAACCATGGGCGC-3'
Protein context (NP_001366429.1, residues 996-1016): PSFPGPHRQT[Ile1006Asn]SVPGPPGPPG

ClinVar aggregate classification (germline): Uncertain significance. Review status: criteria provided, multiple submitters, no conflicts (2 of 4 stars). 2 submissions from 2 submitters: Uncertain significance (2). Last evaluated 2022-07-26.

Allele frequency attached by ClinVar (database versions not stated): TOPMed 0.00001; ExAC 0.00004; gnomAD exomes 0.00005.
gnomAD v4.1: 11 of 1,593,672 alleles (0.00069%); highest among the groups gnomAD compares: Admixed American, 0.018%; no homozygotes.

Submissions (2):

Labcorp Genetics (formerly Invitae), Labcorp
Classification: Uncertain significance. Last evaluated: 2022-07-26. Review status: criteria provided, single submitter. Criteria: Invitae Variant Classification Sherloc (09022015). Collection method: clinical testing. Allele origin: germline.
Comment: This sequence change replaces isoleucine, which is neutral and non-polar, with asparagine, which is neutral and polar, at codon 1003 of the COL18A1 protein (p.Ile1003Asn). This variant is present in population databases (rs747011332, gnomAD 0.04%). This variant has not been reported in the literature in individuals affected with COL18A1-related conditions. ClinVar contains an entry for this variant (Variation ID: 1467431). Experimental studies and prediction algorithms are not available or were not evaluated, and the functional significance of this variant is currently unknown. In summary, the available evidence is currently insufficient to determine the role of this variant in disease. Therefore, it has been classified as a Variant of Uncertain Significance.

Blueprint Genetics
Classification: Uncertain significance. Last evaluated: 2021-09-09. Review status: criteria provided, single submitter. Criteria: ACMG Guidelines, 2015. Collection method: clinical testing. Allele origin: germline.